The following is an entry in ClinVar:

NM_004612.4(TGFBR1):c.1457T>G (p.Leu486Trp)

Gene: TGFBR1 (transforming growth factor beta receptor 1; plus strand). Cytogenetic location: 9q22.33.
Variant type: single nucleotide variant.
Coding change: c.1457T>G on transcript NM_004612.4 (MANE Select); coding-DNA position 1457, T replaced by G.
Protein change: p.Leu486Trp; replaces leucine 486 with tryptophan.
Molecular consequence: missense variant.
Genome position (GRCh38, 1-based): chr9:99,149,250, T>G. VCF-style: chr9-99149250-T-G. GRCh37 (hg19) VCF-style: chr9-101911532-T-G.
Other names: c.1226T>G, p.Leu409Trp (NM_001130916.3); c.1469T>G, p.Leu490Trp (NM_001306210.2); short protein forms L486W, L409W, L490W.
Identifiers: ClinVar variation 264499 (VCV000264499.5), dbSNP rs886039176, ClinGen allele CA10587688.

ClinVar aggregate classification (germline): Uncertain significance (1 of 4 stars; one submission).

Conditions:
Familial thoracic aortic aneurysm and aortic dissection (TAAD). Also called: Thoracic aortic aneurysms and dissections. Identifiers: Orphanet 91387, MedGen C4707243, MONDO:0019625.

Submission:

Ambry Genetics
Classification: Uncertain significance for Familial thoracic aortic aneurysm and aortic dissection. Last evaluated: 2022-01-18. Review status: criteria provided, single submitter. Criteria: Ambry Variant Classification Scheme 2023. Collection method: clinical testing. Allele origin: germline.
Comment: The p.L486W variant (also known as c.1457T>G), located in coding exon 9 of the TGFBR1 gene, results from a T to G substitution at nucleotide position 1457. The leucine at codon 486 is replaced by tryptophan, an amino acid with similar properties. A different alteration at the same amino acid position, p.L486S, was detected in affected members of a three-generation family with thoracic aortic aneurysms and dissections (Tran-Fadulu V et al, J. Med. Genet. 2009 Sep; 46(9):607-13). This amino acid position is highly conserved in available vertebrate species. In addition, this alteration is predicted to be deleterious by in silico analysis. Since supporting evidence is limited at this time, the clinical significance of this variant remains unclear.

Literature cited by the submitters: PubMed 19542084.